The following is an entry in ClinVar:

ClinVar aggregate classification (germline): Uncertain significance (1 of 4 stars; one submission).

Submission:

CeGaT Center for Human Genetics Tuebingen
Classification: Uncertain significance. Last evaluated: 2024-12-01. Review status: criteria provided, single submitter. Criteria: CeGaT Center For Human Genetics Tuebingen Variant Classification Criteria Version 2. Collection method: clinical testing. Allele origin: germline. Affected: yes. Observed: 1 variant allele.
Comment: RYR3: PM2, PP3

NM_001036.6(RYR3):c.11935T>A (p.Phe3979Ile)

Gene: RYR3 (ryanodine receptor 3; plus strand). Cytogenetic location: 15q14.
Variant type: single nucleotide variant.
Coding change: c.11935T>A on transcript NM_001036.6 (MANE Select); coding-DNA position 11935, T replaced by A.
Protein change: p.Phe3979Ile; replaces phenylalanine 3979 with isoleucine.
Molecular consequence: missense variant.
Genome position (GRCh38, 1-based): chr15:33,837,915, T>A. VCF-style: chr15-33837915-T-A. GRCh37 (hg19) VCF-style: chr15-34130116-T-A.
Other names: c.11920T>A, p.Phe3974Ile (NM_001243996.4); short protein forms F3974I, F3979I.
Identifiers: ClinVar variation 3772043 (VCV003772043.13).